The following is an entry in ClinVar:

NM_015338.6(ASXL1):c.3899A>G (p.Gln1300Arg)

Gene: ASXL1 (ASXL transcriptional regulator 1; plus strand). Cytogenetic location: 20q11.21.
Variant type: single nucleotide variant.
Coding change: c.3899A>G on transcript NM_015338.6 (MANE Select); coding-DNA position 3899, A replaced by G.
Protein change: p.Gln1300Arg; replaces glutamine 1300 with arginine.
Molecular consequence: missense variant.
Genome position (GRCh38, 1-based): chr20:32,436,611, A>G. VCF-style: chr20-32436611-A-G. GRCh37 (hg19) VCF-style: chr20-31024414-A-G.
Other names: c.3716A>G, p.Gln1239Arg (NM_001363734.1); short protein forms Q1239R, Q1300R.
Identifiers: ClinVar variation 4864170 (VCV004864170.1).

ClinVar aggregate classification (germline): Uncertain significance (1 of 4 stars; one submission).

Conditions:
Inborn genetic diseases. Identifiers: MedGen C0950123, MeSH D030342.

Submission:

Ambry Genetics
Classification: Uncertain significance for Inborn genetic diseases. Last evaluated: 2026-04-04. Review status: criteria provided, single submitter. Criteria: Ambry Variant Classification Scheme 2023. Collection method: clinical testing. Allele origin: germline.
Comment: The p.Q1300R variant (also known as c.3899A>G), located in coding exon 13 of the ASXL1 gene, results from an A to G substitution at nucleotide position 3899. The glutamine at codon 1300 is replaced by arginine, an amino acid with highly similar properties. This amino acid position is conserved. In addition, this alteration is predicted to be tolerated by in silico analysis. Based on the available evidence, the clinical significance of this variant remains unclear.